The following is an entry in ClinVar:

NM_177438.3(DICER1):c.1879A>G (p.Ile627Val)

Gene: DICER1 (dicer 1, ribonuclease III; minus strand). Cytogenetic location: 14q32.13.
Variant type: single nucleotide variant.
Coding change: c.1879A>G on transcript NM_177438.3 (MANE Select); coding-DNA position 1879, A replaced by G.
Protein change: p.Ile627Val; replaces isoleucine 627 with valine.
Molecular consequence: missense variant.
Genome position (GRCh38, 1-based): chr14:95,115,695, T>C on the plus strand (A>G on the coding strand, the complement: DICER1 is on the minus strand). VCF-style: chr14-95115695-T-C. GRCh37 (hg19) VCF-style: chr14-95582032-T-C.
Other names: c.1879A>G, p.Ile627Val (NM_001195573.1, NM_001271282.3, NM_001291628.2 and 1 more transcripts); short protein forms I627V.
Identifiers: ClinVar variation 820229 (VCV000820229.14), dbSNP rs1312425649, ClinGen allele CA390883937.

ClinVar aggregate classification (germline): Conflicting classifications of pathogenicity. Review status: criteria provided, conflicting classifications (1 of 4 stars). 2 submissions from 2 submitters: Uncertain significance (1); Likely benign (1). Last evaluated 2025-01-28.

Conditions:
Hereditary cancer-predisposing syndrome. Also called: Hereditary Cancer Syndrome; Neoplastic Syndromes, Hereditary; Hereditary neoplastic syndrome; Tumor predisposition. Identifiers: Orphanet 140162, MedGen C0027672, MeSH D009386, MONDO:0015356.
DICER1-related tumor predisposition. Also called: DICER1-related pleuropulmonary blastoma cancer predisposition syndrome; DICER1 syndrome. Identifiers: Orphanet 284343, MedGen C3839822, MONDO:0100216.

Allele frequency attached by ClinVar (database versions not stated): gnomAD exomes below 0.00001; TOPMed below 0.00001; gnomAD 0.00001.
gnomAD v4.1: 3 of 1,614,042 alleles (0.00019%); highest among the groups gnomAD compares: African/African-American, 0.0013%; no homozygotes.

Submissions (2):

Labcorp Genetics (formerly Invitae), Labcorp
Classification: Uncertain significance for DICER1-related tumor predisposition. Last evaluated: 2025-01-28. Review status: criteria provided, single submitter. Criteria: Invitae Variant Classification Sherloc (09022015). Collection method: clinical testing. Allele origin: germline.
Comment: This sequence change replaces isoleucine, which is neutral and non-polar, with valine, which is neutral and non-polar, at codon 627 of the DICER1 protein (p.Ile627Val). This variant is not present in population databases (gnomAD no frequency). This variant has not been reported in the literature in individuals affected with DICER1-related conditions. ClinVar contains an entry for this variant (Variation ID: 820229). Invitae Evidence Modeling of protein sequence and biophysical properties (such as structural, functional, and spatial information, amino acid conservation, physicochemical variation, residue mobility, and thermodynamic stability) indicates that this missense variant is not expected to disrupt DICER1 protein function with a negative predictive value of 95%. In summary, the available evidence is currently insufficient to determine the role of this variant in disease. Therefore, it has been classified as a Variant of Uncertain Significance.

Ambry Genetics
Classification: Likely benign for Hereditary cancer-predisposing syndrome. Last evaluated: 2024-10-17. Review status: criteria provided, single submitter. Criteria: Ambry Variant Classification Scheme 2023. Collection method: clinical testing. Allele origin: germline.